The following is an entry in ClinVar:

ClinVar aggregate classification (germline): Conflicting classifications of pathogenicity. Review status: criteria provided, conflicting classifications (1 of 4 stars). 3 submissions from 3 submitters: Likely pathogenic (2); Uncertain significance (1). Last evaluated 2025-07-17.

Conditions:
Hereditary cancer-predisposing syndrome. Also called: Tumor predisposition; Hereditary neoplastic syndrome; Neoplastic Syndromes, Hereditary; Hereditary Cancer Syndrome. Identifiers: Orphanet 140162, MedGen C0027672, MeSH D009386, MONDO:0015356.
Breast-ovarian cancer, familial, susceptibility to, 2 (BROVCA2). Also called: BRCA2 Hereditary Breast and Ovarian Cancer. Identifiers: Orphanet 145, MedGen C2675520, MONDO:0012933, OMIM 612555. Disease mechanism: loss of function.

Submissions (3):

Ambry Genetics
Classification: Likely pathogenic for Hereditary cancer-predisposing syndrome. Last evaluated: 2025-07-17. Review status: criteria provided, single submitter. Criteria: Ambry Variant Classification Scheme 2023. Collection method: clinical testing. Allele origin: germline.
Comment: The c.8755-3C>G intronic variant results from a C to G substitution 3 nucleotides upstream from coding exon 21 in the BRCA2 gene. Two saturation genome editing-based studies, including a haploid cell-survival assay and a humanized mouse embryonic stem cell line assay of drug response and survival, demonstrate that this nucleotide substitution is non-functional (Huang H et al. Nature. 2025 Feb;638(8050):528-537; Sahu S et al. Nature. 2025 Feb;638(8050):538-545). This nucleotide position is not well conserved in available vertebrate species. In silico splice site analysis predicts that this alteration will weaken the native splice acceptor site and will result in the creation or strengthening of a novel splice acceptor site. RNA studies have demonstrated that this alteration results in abnormal spr.licing in the set of samples tested (Ambry internal data). Based on the majority of available evidence to date, this variant is likely to be pathogenic.

Myriad Genetics, Inc.
Classification: Likely pathogenic for Breast-ovarian cancer, familial, susceptibility to, 2. Last evaluated: 2025-04-09. Review status: criteria provided, single submitter. Criteria: Myriad Autosomal Dominant, Autosomal Recessive and X-Linked Classification Criteria (2023). Collection method: clinical testing. Allele origin: unknown.
Comment: This variant is considered likely pathogenic. mRNA analysis has demonstrated abnormal mRNA splicing occurs [Myriad internal data].

Color Diagnostics, LLC DBA Color Health
Classification: Uncertain significance for Hereditary cancer-predisposing syndrome. Last evaluated: 2020-01-21. Review status: criteria provided, single submitter. Criteria: ACMG Guidelines, 2015. Collection method: clinical testing. Allele origin: germline.
Comment: This variant causes a C>G nucleotide substitution at the -3 position of intron 21 of the BRCA2 gene. Splice site prediction tools suggest that this variant may impact RNA splicing. However, this prediction has not been confirmed in published RNA studies. This variant has not been reported in individuals affected with hereditary cancer in the literature. This variant has not been identified in the general population by the Genome Aggregation Database (gnomAD). The available evidence is insufficient to determine the role of this variant in disease conclusively. Therefore, this variant is classified as a Variant of Uncertain Significance.

Literature cited by the submitters: PubMed 39779848 (cited by Ambry Genetics); PubMed 39779857 (cited by Ambry Genetics).

NM_000059.4(BRCA2):c.8755-3C>G

Gene: BRCA2 (BRCA2 DNA repair associated; plus strand). Cytogenetic location: 13q13.1.
Variant type: single nucleotide variant.
Coding change: c.8755-3C>G on transcript NM_000059.4 (MANE Select); 3 bases into the intron before coding-DNA position 8755, C replaced by G.
Molecular consequence: intron variant.
Genome position (GRCh38, 1-based): chr13:32,379,314, C>G. VCF-style: chr13-32379314-C-G. GRCh37 (hg19) VCF-style: chr13-32953451-C-G.
Identifiers: ClinVar variation 928107 (VCV000928107.6), dbSNP rs2072896768, ClinGen allele CA1139663187.